The following is an entry in ClinVar:

ClinVar aggregate classification (germline): Uncertain significance. Review status: criteria provided, multiple submitters, no conflicts (2 of 4 stars). 2 submissions from 2 submitters: Uncertain significance (2). Last evaluated 2025-02-25.

Conditions:
Hereditary cancer-predisposing syndrome. Also called: Neoplastic Syndromes, Hereditary; Hereditary Cancer Syndrome; Tumor predisposition; Hereditary neoplastic syndrome. Identifiers: Orphanet 140162, MedGen C0027672, MeSH D009386, MONDO:0015356.

gnomAD v4.1: 1 of 1,613,534 alleles (0.000062%); highest among the groups gnomAD compares: Non-Finnish European, 0.000085%; no homozygotes.

Submissions (2):

Labcorp Genetics (formerly Invitae), Labcorp
Classification: Uncertain significance. Last evaluated: 2025-02-25. Review status: criteria provided, single submitter. Criteria: Invitae Variant Classification Sherloc (09022015). Collection method: clinical testing. Allele origin: germline.
Comment: This sequence change replaces glutamic acid, which is acidic and polar, with glycine, which is neutral and non-polar, at codon 95 of the CTNNA1 protein (p.Glu95Gly). This variant is not present in population databases (gnomAD no frequency). This variant has not been reported in the literature in individuals affected with CTNNA1-related conditions. ClinVar contains an entry for this variant (Variation ID: 1038838). Invitae Evidence Modeling of protein sequence and biophysical properties (such as structural, functional, and spatial information, amino acid conservation, physicochemical variation, residue mobility, and thermodynamic stability) indicates that this missense variant is not expected to disrupt CTNNA1 protein function with a negative predictive value of 80%. In summary, the available evidence is currently insufficient to determine the role of this variant in disease. Therefore, it has been classified as a Variant of Uncertain Significance.

Ambry Genetics
Classification: Uncertain significance for Hereditary cancer-predisposing syndrome. Last evaluated: 2024-02-01. Review status: criteria provided, single submitter. Criteria: Ambry Variant Classification Scheme 2023. Collection method: clinical testing. Allele origin: germline.
Comment: The p.E95G variant (also known as c.284A>G), located in coding exon 2 of the CTNNA1 gene, results from an A to G substitution at nucleotide position 284. The glutamic acid at codon 95 is replaced by glycine, an amino acid with similar properties. This amino acid position is well conserved in available vertebrate species. In addition, the in silico prediction for this alteration is inconclusive. The evidence for this gene-disease relationship is limited; therefore, the clinical significance of this alteration is unclear.

NM_001903.5(CTNNA1):c.284A>G (p.Glu95Gly)

Gene: CTNNA1 (catenin alpha 1; plus strand). Cytogenetic location: 5q31.2.
Variant type: single nucleotide variant.
Coding change: c.284A>G on transcript NM_001903.5 (MANE Select); coding-DNA position 284, A replaced by G.
Protein change: p.Glu95Gly; replaces glutamic acid 95 with glycine.
Molecular consequence: missense variant. On other transcripts: intron variant (2).
Genome position (GRCh38, 1-based): chr5:138,783,355, A>G. VCF-style: chr5-138783355-A-G. GRCh37 (hg19) VCF-style: chr5-138119044-A-G.
Other names: c.284A>G (NM_001903.2); c.284A>G, p.Glu95Gly (NM_001290307.3, NM_001323982.2, NM_001323983.1 and 3 more transcripts); c.-6+83A>G (NM_001290310.3); c.-9+1326A>G (NM_001290309.3); short protein forms E95G.
Identifiers: ClinVar variation 1038838 (VCV001038838.9), dbSNP rs1755342562, ClinGen allele CA361477685.